The following is an entry in ClinVar:

ClinVar aggregate classification (germline): Uncertain significance (1 of 4 stars; one submission).

Submission:

GeneDx
Classification: Uncertain significance. Last evaluated: 2025-01-21. Review status: criteria provided, single submitter. Criteria: GeneDx Variant Classification Process June 2021. Collection method: clinical testing. Allele origin: germline. Affected: yes.
Comment: Not observed at significant frequency in large population cohorts (gnomAD); In silico analysis indicates that this missense variant does not alter protein structure/function; Has not been previously published as pathogenic or benign to our knowledge; This variant is associated with the following publications: (PMID: 15235021)

NM_004360.5(CDH1):c.334A>G (p.Thr112Ala)

Gene: CDH1 (cadherin 1; plus strand). Cytogenetic location: 16q22.1.
Variant type: single nucleotide variant.
Coding change: c.334A>G on transcript NM_004360.5 (MANE Select); coding-DNA position 334, A replaced by G.
Protein change: p.Thr112Ala; replaces threonine 112 with alanine.
Molecular consequence: missense variant. On other transcripts: 5 prime UTR variant (2).
Genome position (GRCh38, 1-based): chr16:68,801,840, A>G. VCF-style: chr16-68801840-A-G. GRCh37 (hg19) VCF-style: chr16-68835743-A-G.
Other names: c.334A>G, p.Thr112Ala (NM_001317184.2); c.-1282A>G (NM_001317185.2); c.-1486A>G (NM_001317186.2); short protein forms T112A.
Identifiers: ClinVar variation 4070887 (VCV004070887.1).